The following is an entry in ClinVar:

NM_001130144.3(LTBP3):c.3566C>T (p.Ser1189Leu)

Gene: LTBP3 (latent transforming growth factor beta binding protein 3; minus strand). Cytogenetic location: 11q13.1.
Variant type: single nucleotide variant.
Coding change: c.3566C>T on transcript NM_001130144.3 (MANE Select); coding-DNA position 3566, C replaced by T.
Protein change: p.Ser1189Leu; replaces serine 1189 with leucine.
Molecular consequence: missense variant.
Genome position (GRCh38, 1-based): chr11:65,539,610, G>A on the plus strand (C>T on the coding strand, the complement: LTBP3 is on the minus strand). VCF-style: chr11-65539610-G-A. GRCh37 (hg19) VCF-style: chr11-65307081-G-A.
Other names: c.3074C>T, p.Ser1025Leu (NM_001164266.1); c.3425C>T, p.Ser1142Leu (NM_021070.4); short protein forms S1025L, S1189L, S1142L.
Identifiers: ClinVar variation 1399223 (VCV001399223.9), dbSNP rs368031065, ClinGen allele CA6100240.

ClinVar aggregate classification (germline): Uncertain significance. Review status: criteria provided, multiple submitters, no conflicts (2 of 4 stars). 2 submissions from 2 submitters: Uncertain significance (2). Last evaluated 2026-01-02.

Conditions:
Inborn genetic diseases. Identifiers: MedGen C0950123, MeSH D030342.
Brachyolmia-amelogenesis imperfecta syndrome. Also called: PLATYSPONDYLY WITH AMELOGENESIS IMPERFECTA; Tooth agenesis, selective, 6; Dental anomalies and short stature. Identifiers: Orphanet 2899, MedGen C1832594, MONDO:0011018, OMIM 601216. Disease mechanism: loss of function.

Allele frequency attached by ClinVar (database versions not stated): gnomAD exomes 0.00001; ExAC 0.00004; gnomAD 0.00010 and 0.00011; TOPMed 0.00010; ESP Exome Variant Server 0.00023.
gnomAD v4.1: 32 of 1,611,742 alleles (0.002%); highest among the groups gnomAD compares: African/African-American, 0.028%; no homozygotes.

Submissions (2):

Labcorp Genetics (formerly Invitae), Labcorp
Classification: Uncertain significance for Brachyolmia-amelogenesis imperfecta syndrome. Last evaluated: 2026-01-02. Review status: criteria provided, single submitter. Criteria: Invitae Variant Classification Sherloc (09022015). Collection method: clinical testing. Allele origin: germline.
Comment: This sequence change replaces serine, which is neutral and polar, with leucine, which is neutral and non-polar, at codon 1189 of the LTBP3 protein (p.Ser1189Leu). This variant is present in population databases (rs368031065, gnomAD 0.04%). This variant has not been reported in the literature in individuals affected with LTBP3-related conditions. ClinVar contains an entry for this variant (Variation ID: 1399223). An algorithm developed to predict the effect of missense changes on protein structure and function (PolyPhen-2) suggests that this variant is likely to be disruptive. In summary, the available evidence is currently insufficient to determine the role of this variant in disease. Therefore, it has been classified as a Variant of Uncertain Significance.

Ambry Genetics
Classification: Uncertain significance for Inborn genetic diseases. Last evaluated: 2025-11-26. Review status: criteria provided, single submitter. Criteria: Ambry Variant Classification Scheme 2023. Collection method: clinical testing. Allele origin: germline.